The following is an entry in ClinVar:

ClinVar aggregate classification (germline): Uncertain significance (1 of 4 stars; one submission).

Allele frequency attached by ClinVar (database versions not stated): TOPMed below 0.00001; gnomAD exomes 0.00001.
gnomAD v4.1: 12 of 1,204,860 alleles (0.001%); highest among the groups gnomAD compares: Non-Finnish European, 0.0013%; no homozygotes.

Submission:

GeneDx
Classification: Uncertain significance. Last evaluated: 2019-10-07. Review status: criteria provided, single submitter. Criteria: GeneDx Variant Classification Process June 2021. Collection method: clinical testing. Allele origin: germline. Affected: yes.
Comment: Not observed in large population cohorts (Lek et al., 2016); In silico analysis, which includes protein predictors and evolutionary conservation, supports that this variant does not alter protein structure/function; Has not been previously published as pathogenic or benign to our knowledge

NM_014927.5(CNKSR2):c.1084A>G (p.Ile362Val)

Gene: CNKSR2 (connector enhancer of kinase suppressor of Ras 2; plus strand). Cytogenetic location: Xp22.12.
Variant type: single nucleotide variant.
Coding change: c.1084A>G on transcript NM_014927.5 (MANE Select); coding-DNA position 1084, A replaced by G.
Protein change: p.Ile362Val; replaces isoleucine 362 with valine.
Molecular consequence: missense variant.
Genome position (GRCh38, 1-based): chrX:21,526,993, A>G. VCF-style: chrX-21526993-A-G. GRCh37 (hg19) VCF-style: chrX-21545111-A-G.
Other names: c.1084A>G, p.Ile362Val (NM_001168647.3, NM_001168648.3, NM_001330773.2); c.937A>G, p.Ile313Val (NM_001168649.3, NM_001330770.2, NM_001330771.2 and 1 more transcripts); short protein forms I313V, I362V.
Identifiers: ClinVar variation 1308853 (VCV001308853.2), dbSNP rs1173210591, ClinGen allele CA412550970.
Genomic context (GRCh38, chrX:21,526,993, plus strand): 5'-AAAAGAGACAGTTCTGCCCTCCAGGATCTCTACATTCCCCCTCCTCCTGCAGAACCATAT[A>G]TTCCCAGGTATAAAACTATCACGTTGTCCTAGGCAGCTTCTAGCTAAAGGTAAACCTAAC-3'
Protein context (NP_055742.2, residues 352-372): YIPPPPAEPY[Ile362Val]PRDEKGNLPC